The following is an entry in ClinVar:

NM_001110556.2(FLNA):c.7673_7674delinsAG (p.Ser2558Lys)

Genes: FLNA (filamin A; minus strand), LOC107988032 (Xq28 proximal FLNA-EMD recombination region; plus strand). Cytogenetic location: Xq28.
Variant type: Indel.
Coding change: c.7673_7674delinsAG on transcript NM_001110556.2 (MANE Select); coding-DNA positions 7673 to 7674, GC replaced by AG.
Protein change: p.Ser2558Lys; replaces serine 2558 with lysine.
Molecular consequence: missense variant.
Genome position (GRCh38, 1-based): chrX:154,349,444-154,349,445, GC replaced by CT on the plus strand (GC replaced by AG on the coding strand, the reverse complement: FLNA is on the minus strand). VCF-style: chrX-154349444-GC-CT. GRCh37 (hg19) VCF-style: chrX-153577812-GC-CT.
Other names: c.7649_7650delinsAG, p.Ser2550Lys (NM_001456.4); short protein forms S2550K, S2558K.
Identifiers: ClinVar variation 2953556 (VCV002953556.3), dbSNP rs2522712829, ClinGen allele CA2740090150.
Genomic context (GRCh38, chrX:154,349,444, plus strand): 5'-GAAGCTGCTCTTCTGGCCTACGTAGGCCTTGCTCAGCCCCAGGCCCTTGGCCACCACCTT[GC>CT]TGGCGTCAGCAGGCCCAGGACCCGGGGCCCCATGCTGGGGGGCACAGGTGGCCTTGGTCA-3'
Protein context (NP_001104026.1, residues 2548-2568): GAPGPGPADA[Ser2558Lys]KVVAKGLGLS

ClinVar aggregate classification (germline): Uncertain significance (1 of 4 stars; one submission).

Conditions:
Heterotopia, periventricular, X-linked dominant (PVNH1). Also called: PERIVENTRICULAR NODULAR HETEROTOPIA 1; X-linked periventricular heterotopia; PERIVENTRICULAR NODULAR HETEROTOPIA 4; HETEROTOPIA, PERIVENTRICULAR, 1. Identifiers: Orphanet 2149, Orphanet 82004, MedGen C1848213, MONDO:0010233, OMIM 300049.
Melnick-Needles syndrome (MNS). Also called: Melnick-Needles Syndrome (FLNA-MNS); MELNICK-NEEDLES OSTEODYSPLASTY; OSTEODYSPLASTY OF MELNICK AND NEEDLES. Identifiers: Orphanet 2484, MedGen C0025237, MONDO:0010650, OMIM 309350.
Frontometaphyseal dysplasia (FMD1). Identifiers: Orphanet 1826, MedGen C0265293, MONDO:0015942.
Oto-palato-digital syndrome, type II (OPD2). Also called: Otopalatodigital Syndrome Type 2 (FLNA-OPD2); FACIOPALATOOSSEOUS SYNDROME; OPD II SYNDROME; Otopalatodigital Syndrome, Type II. Identifiers: Orphanet 669, Orphanet 90652, MedGen C1844696, MONDO:0010571, OMIM 304120.

Submission:

Labcorp Genetics (formerly Invitae), Labcorp
Classification: Uncertain significance for Oto-palato-digital syndrome, type II; Heterotopia, periventricular, X-linked dominant; Frontometaphyseal dysplasia; Melnick-Needles syndrome. Last evaluated: 2023-11-04. Review status: criteria provided, single submitter. Criteria: Invitae Variant Classification Sherloc (09022015). Collection method: clinical testing. Allele origin: germline.
Comment: This sequence change replaces serine, which is neutral and polar, with lysine, which is basic and polar, at codon 2550 of the FLNA protein (p.Ser2550Lys). Information on the frequency of this variant in the gnomAD database is not available, as this variant may be reported differently in the database. This variant has not been reported in the literature in individuals affected with FLNA-related conditions. An algorithm developed to predict the effect of missense changes on protein structure and function (PolyPhen-2) suggests that this variant is likely to be disruptive. In summary, the available evidence is currently insufficient to determine the role of this variant in disease. Therefore, it has been classified as a Variant of Uncertain Significance.